The following is an entry in ClinVar:

ClinVar aggregate classification (germline): Pathogenic (1 of 4 stars; one submission).

Conditions:
Lynch syndrome 5 (LYNCH5). Also called: Colorectal cancer, hereditary nonpolyposis, type 5; Hereditary non-polyposis colorectal cancer, type 5. Identifiers: Orphanet 144, MedGen C1833477, MONDO:0013710, OMIM 614350. Disease mechanism: loss of function.

Submission:

Myriad Genetics, Inc.
Classification: Pathogenic for Lynch syndrome 5. Last evaluated: 2024-01-24. Review status: criteria provided, single submitter. Criteria: Myriad Autosomal Dominant, Autosomal Recessive and X-Linked Classification Criteria (2023). Collection method: clinical testing. Allele origin: unknown.
Comment: This variant is considered pathogenic. This variant creates a frameshift predicted to result in premature protein truncation.

NM_000179.3(MSH6):c.3858_3859dup (p.Tyr1287fs)

Gene: MSH6 (mutS homolog 6; plus strand). Cytogenetic location: 2p16.3.
Variant type: Microsatellite.
Coding change: c.3858_3859dup on transcript NM_000179.3 (MANE Select); coding-DNA positions 3858 to 3859, 2 bases duplicated (CT; older notation c.3858_3859dupCT).
Protein change: p.Tyr1287fs; shifts the reading frame from tyrosine 1287.
Molecular consequence: frameshift variant. On other transcripts: non-coding transcript variant (5), intron variant (1).
Genome position (GRCh38, 1-based): chr2:47,806,508-47,806,509, CT duplicated; duplicating any 2 consecutive bases within chr2:47,806,506-47,806,509 gives the same sequence; the c. name uses the placement nearest the transcript's 3' end. VCF-style (leftmost placement, unchanged base first): chr2-47806505-C-CCT. GRCh37 (hg19) VCF-style: chr2-48033644-C-CCT.
Other names: c.3468_3469dup, p.Tyr1157fs (NM_001281492.2); c.2952_2953dup, p.Tyr985fs (NM_001281493.2, NM_001281494.2, NM_001406811.1 and 6 more transcripts); c.3954_3955dup, p.Tyr1319fs (NM_001406795.1); c.3858_3859dup, p.Tyr1287fs (NM_001406796.1, NM_001406808.1, NM_001406809.1); c.3561_3562dup, p.Tyr1188fs (NM_001406797.1, NM_001406801.1, NM_001406805.1 and 10 more transcripts); c.3684_3685dup, p.Tyr1229fs (NM_001406798.1); c.3333_3334dup, p.Tyr1112fs (NM_001406799.1, NM_001406806.1, NM_001406807.1); c.3845_3846dup, p.Ile1283fs (NM_001406800.1); and 9 more; short protein forms Y1231fs, Y1261fs, Y1319fs, Y602fs, Y765fs, Y1229fs, Y1289fs, Y214fs.
Identifiers: ClinVar variation 3148686 (VCV003148686.1), dbSNP rs2530861501, ClinGen allele CA2825001134.